The following is an entry in ClinVar:

ClinVar aggregate classification (germline): Pathogenic (1 of 4 stars; one submission).

Submission:

GeneDx
Classification: Pathogenic. Last evaluated: 2026-10-01. Review status: criteria provided, single submitter. Criteria: GeneDx Variant Classification Process June 2021. Collection method: clinical testing. Allele origin: germline.
Comment: Canonical splice site variant predicted to result in an in-frame loss of the adjacent exon in a gene for which loss of function is a known mechanism of disease; Not observed at significant frequency in large population cohorts (gnomAD); Has not been previously published as pathogenic or benign to our knowledge; This variant is associated with the following publications: (PMID: 20473311)

NM_001111125.3(IQSEC2):c.3502-2del

Gene: IQSEC2 (IQ motif and Sec7 domain ArfGEF 2; minus strand). Cytogenetic location: Xp11.22.
Variant type: Deletion.
Coding change: c.3502-2del on transcript NM_001111125.3 (MANE Select); the canonical splice acceptor site of the intron before coding-DNA position 3502, one base deleted (A; older notation c.3502-2delA).
Molecular consequence: splice acceptor variant.
Genome position (GRCh38, 1-based): chrX:53,235,186, T deleted on the plus strand (A on the coding strand, the reverse complement: IQSEC2 is on the minus strand). VCF-style (leftmost placement, unchanged base first): chrX-53235185-CT-C. GRCh37 (hg19) VCF-style: chrX-53264367-CT-C.
Other names: c.3452-2del (NM_001410736.1); c.2837-2del (NM_015075.2).
Identifiers: ClinVar variation 429884 (VCV000429884.3), dbSNP rs1131691650, ClinGen allele CA645369755.